The following is an entry in ClinVar:

ClinVar aggregate classification (germline): Pathogenic (1 of 4 stars; one submission).

Submission:

Labcorp Genetics (formerly Invitae), Labcorp
Classification: Pathogenic. Last evaluated: 2025-01-15. Review status: criteria provided, single submitter. Criteria: Invitae Variant Classification Sherloc (09022015). Collection method: clinical testing. Allele origin: germline.
Comment: This sequence change affects an acceptor splice site in intron 10 of the PRPF31 gene. It is expected to disrupt RNA splicing. Variants that disrupt the donor or acceptor splice site typically lead to a loss of protein function (PMID: 16199547), and loss-of-function variants in PRPF31 are known to be pathogenic (PMID: 18317597, 23950152). This variant is not present in population databases (gnomAD no frequency). Disruption of this splice site has been observed in individuals with autosomal dominant retinitis pigmentosa (PMID: 24202059, 28192796). It has also been observed to segregate with disease in related individuals. ClinVar contains an entry for this variant (Variation ID: 2910458). Algorithms developed to predict the effect of sequence changes on RNA splicing suggest that this variant may disrupt the consensus splice site. For these reasons, this variant has been classified as Pathogenic.

Literature cited by the submitters: PubMed 16199547; PubMed 18317597; PubMed 23950152; PubMed 24202059; PubMed 28192796.

NM_015629.4(PRPF31):c.1074-1G>T

Gene: PRPF31 (pre-mRNA processing factor 31; plus strand). Cytogenetic location: 19q13.42.
Variant type: single nucleotide variant.
Coding change: c.1074-1G>T on transcript NM_015629.4 (MANE Select); the canonical splice acceptor site of the intron before coding-DNA position 1074, G replaced by T.
Molecular consequence: splice acceptor variant.
Genome position (GRCh38, 1-based): chr19:54,128,304, G>T. VCF-style: chr19-54128304-G-T. GRCh37 (hg19) VCF-style: chr19-54631679-G-T.
Identifiers: ClinVar variation 2910458 (VCV002910458.3), dbSNP rs1343138103, ClinGen allele CA407753566.